The following is an entry in ClinVar:

ClinVar aggregate classification (germline): Benign/Likely benign. Review status: criteria provided, multiple submitters, no conflicts (2 of 4 stars). 3 submissions from 3 submitters: Benign (1); Likely benign (2). Last evaluated 2026-02-01.

Allele frequency attached by ClinVar (database versions not stated): 1000 Genomes Project 30x 0.00016; 1000 Genomes Project 0.00020; gnomAD 0.00021 and 0.00022; gnomAD exomes 0.00029 and 0.00145; TOPMed 0.00051; ExAC 0.00112.
gnomAD v4.1: 438 of 1,614,210 alleles (0.027%); highest among the groups gnomAD compares: Admixed American, 0.72%; 2 homozygotes.

Submissions (3):

Labcorp Genetics (formerly Invitae), Labcorp
Classification: Benign. Last evaluated: 2026-02-01. Review status: criteria provided, single submitter. Criteria: Invitae Variant Classification Sherloc (09022015). Collection method: clinical testing. Allele origin: germline.

Mayo Clinic Laboratories, Mayo Clinic
Classification: Likely benign. Last evaluated: 2025-03-05. Review status: criteria provided, single submitter. Criteria: ACMG Guidelines, 2015. Collection method: clinical testing. Allele origin: germline. Observed: 1 variant allele.
Comment: BS1, BS2_supporting, BP4, BP7

Blueprint Genetics
Classification: Likely benign. Last evaluated: 2021-11-30. Review status: criteria provided, single submitter. Criteria: ACMG Guidelines, 2015. Collection method: clinical testing. Allele origin: germline.

NM_024747.6(HPS6):c.1002G>A (p.Leu334=)

Gene: HPS6 (HPS6 biogenesis of lysosomal organelles complex 2 subunit 3; plus strand). Cytogenetic location: 10q24.32.
Variant type: single nucleotide variant.
Coding change: c.1002G>A on transcript NM_024747.6 (MANE Select); coding-DNA position 1002, G replaced by A.
Protein change: p.Leu334=; no amino-acid change (leucine 334 retained).
Molecular consequence: synonymous variant.
Genome position (GRCh38, 1-based): chr10:102,066,476, G>A. VCF-style: chr10-102066476-G-A. GRCh37 (hg19) VCF-style: chr10-103826233-G-A.
Other names: p.Leu334=.
Identifiers: ClinVar variation 721983 (VCV000721983.13), dbSNP rs200891467, ClinGen allele CA5659898.